The following is an entry in ClinVar:

ClinVar aggregate classification (germline): Uncertain significance (1 of 4 stars; one submission).

gnomAD v4.1: 1 of 1,605,028 alleles (0.000062%); highest among the groups gnomAD compares: African/African-American, 0.0013%; no homozygotes.

Submission:

Labcorp Genetics (formerly Invitae), Labcorp
Classification: Uncertain significance. Last evaluated: 2024-09-01. Review status: criteria provided, single submitter. Criteria: Invitae Variant Classification Sherloc (09022015). Collection method: clinical testing. Allele origin: germline.
Comment: This sequence change disrupts the translational stop signal of the ALPK3 mRNA. It is expected to extend the length of the ALPK3 protein by 19 additional amino acid residues. This variant is not present in population databases (gnomAD no frequency). This variant has not been reported in the literature in individuals affected with ALPK3-related conditions. Experimental studies and prediction algorithms are not available or were not evaluated, and the functional significance of this variant is currently unknown. In summary, the available evidence is currently insufficient to determine the role of this variant in disease. Therefore, it has been classified as a Variant of Uncertain Significance.

NM_020778.5(ALPK3):c.5116T>C (p.Ter1706Gln)

Gene: ALPK3 (alpha kinase 3; plus strand). Cytogenetic location: 15q25.3.
Variant type: single nucleotide variant.
Coding change: c.5116T>C on transcript NM_020778.5 (MANE Select); coding-DNA position 5116, T replaced by C.
Protein change: p.Ter1706Gln.
Molecular consequence: stop lost.
Genome position (GRCh38, 1-based): chr15:84,868,454, T>C. VCF-style: chr15-84868454-T-C. GRCh37 (hg19) VCF-style: chr15-85411685-T-C.
Identifiers: ClinVar variation 3677120 (VCV003677120.2).